The following is an entry in ClinVar:

ClinVar aggregate classification (germline): Uncertain significance (1 of 4 stars; one submission).

Allele frequency attached by ClinVar (database versions not stated): gnomAD 0.00001.

Submission:

Labcorp Genetics (formerly Invitae), Labcorp
Classification: Uncertain significance. Last evaluated: 2024-11-04. Review status: criteria provided, single submitter. Criteria: Invitae Variant Classification Sherloc (09022015). Collection method: clinical testing. Allele origin: germline.
Comment: This sequence change replaces arginine, which is basic and polar, with leucine, which is neutral and non-polar, at codon 625 of the VPS13D protein (p.Arg625Leu). This variant is present in population databases (rs771951344, gnomAD 0.01%). This variant has not been reported in the literature in individuals affected with VPS13D-related conditions. ClinVar contains an entry for this variant (Variation ID: 1940726). Invitae Evidence Modeling of protein sequence and biophysical properties (such as structural, functional, and spatial information, amino acid conservation, physicochemical variation, residue mobility, and thermodynamic stability) indicates that this missense variant is expected to disrupt VPS13D protein function with a positive predictive value of 80%. In summary, the available evidence is currently insufficient to determine the role of this variant in disease. Therefore, it has been classified as a Variant of Uncertain Significance.

NM_015378.4(VPS13D):c.1874G>T (p.Arg625Leu)

Gene: VPS13D (vacuolar protein sorting 13 homolog D; plus strand). Cytogenetic location: 1p36.22.
Variant type: single nucleotide variant.
Coding change: c.1874G>T on transcript NM_015378.4 (MANE Select); coding-DNA position 1874, G replaced by T.
Protein change: p.Arg625Leu; replaces arginine 625 with leucine.
Molecular consequence: missense variant.
Genome position (GRCh38, 1-based): chr1:12,268,778, G>T. VCF-style: chr1-12268778-G-T. GRCh37 (hg19) VCF-style: chr1-12328835-G-T.
Other names: c.1874G>T, p.Arg625Leu (NM_018156.4); short protein forms R625L.
Identifiers: ClinVar variation 1940726 (VCV001940726.5), dbSNP rs771951344, ClinGen allele CA601671.